The following is an entry in ClinVar:

ClinVar aggregate classification (germline): Benign/Likely benign. Review status: criteria provided, multiple submitters, no conflicts (2 of 4 stars). 4 submissions from 4 submitters: Benign (1); Likely benign (2). 1 of the submissions does not count toward it. Last evaluated 2025-12-30.

Conditions:
KCNN4-related disorder. Also called: KCNN4-related condition.
Dehydrated hereditary stomatocytosis 2 (DHS2). Also called: XEROCYTOSIS GARDOS; DESICCYTOSIS GARDOS. Identifiers: Orphanet 3202, MedGen C4225242, MONDO:0014737, OMIM 616689.

Allele frequency attached by ClinVar (database versions not stated): gnomAD exomes 0.00031 and 0.00083; ExAC 0.00102; gnomAD 0.00306 and 0.00332; 1000 Genomes Project 0.00339; TOPMed 0.00362; ESP Exome Variant Server 0.00367; 1000 Genomes Project 30x 0.00406.

Submissions (4):

Labcorp Genetics (formerly Invitae), Labcorp
Classification: Benign. Last evaluated: 2025-12-30. Review status: criteria provided, single submitter. Criteria: Invitae Variant Classification Sherloc (09022015). Collection method: clinical testing. Allele origin: germline.

Blueprint Genetics
Classification: Likely benign. Last evaluated: 2024-06-10. Review status: criteria provided, single submitter. Criteria: ACMG Guidelines, 2015. Collection method: clinical testing. Allele origin: germline.

Fulgent Genetics
Classification: Likely benign for Dehydrated hereditary stomatocytosis 2. Last evaluated: 2021-07-14. Review status: criteria provided, single submitter. Criteria: ACMG Guidelines, 2015. Collection method: clinical testing. Allele origin: unknown.

PreventionGenetics, part of Exact Sciences
Classification: Likely benign for KCNN4-related condition. Last evaluated: 2019-08-08. Review status: no assertion criteria provided. Collection method: clinical testing. Allele origin: germline. Not counted in ClinVar's aggregate classification.
Comment: This variant is classified as likely benign based on ACMG/AMP sequence variant interpretation guidelines (Richards et al. 2015 PMID: 25741868, with internal and published modifications).

NM_002250.3(KCNN4):c.820-2dup

Gene: KCNN4 (potassium calcium-activated channel subfamily N member 4; minus strand). Cytogenetic location: 19q13.31.
Variant type: Duplication.
Coding change: c.820-2dup on transcript NM_002250.3 (MANE Select); the canonical splice acceptor site of the intron before coding-DNA position 820, one base duplicated (A; older notation c.820-2dupA).
Molecular consequence: splice acceptor variant.
Genome position (GRCh38, 1-based): chr19:43,769,831, T duplicated on the plus strand (A on the coding strand, the reverse complement: KCNN4 is on the minus strand). VCF-style (leftmost placement, unchanged base first): chr19-43769830-C-CT. GRCh37 (hg19) VCF-style: chr19-44273982-C-CT.
Other names: c.820-2dupA (NM_002250.2).
Identifiers: ClinVar variation 790207 (VCV000790207.13), dbSNP rs574008067, ClinGen allele CA9491896.